The following is an entry in ClinVar:

NM_014915.3(ANKRD26):c.16A>T (p.Ser6Cys)

Genes: ANKRD26 (ankyrin repeat domain containing 26; minus strand), LOC130003554 (ATAC-STARR-seq lymphoblastoid silent region 2243; plus strand). Cytogenetic location: 10p12.1.
Variant type: single nucleotide variant.
Coding change: c.16A>T on transcript NM_014915.3 (MANE Select); coding-DNA position 16, A replaced by T.
Protein change: p.Ser6Cys; replaces serine 6 with cysteine.
Molecular consequence: missense variant.
Genome position (GRCh38, 1-based): chr10:27,100,311, T>A on the plus strand (A>T on the coding strand, the complement: ANKRD26 is on the minus strand). VCF-style: chr10-27100311-T-A. GRCh37 (hg19) VCF-style: chr10-27389240-T-A.
Other names: c.16A>T, p.Ser6Cys (NM_001256053.2); short protein forms S6C.
Identifiers: ClinVar variation 3914596 (VCV003914596.1).
Genomic context (GRCh38, chr10:27,100,311, plus strand): 5'-CTCCCGCGCTGCTCCTCTGCCGCCGCGCGAAGGAGCCCAAGGGCGACTCGCCCTTCTTAC[T>A]AAAAATCTTCTTCATGGCCCAGGCGACCGGGCTTCAGAGACACCTCATGTCTCTCTCGGC-3'
Protein context (NP_055730.2, residues 1-16): MKKIF[Ser6Cys]KKGESPLGSF

ClinVar aggregate classification (germline): Uncertain significance (1 of 4 stars; one submission).

Conditions:
Inborn genetic diseases. Identifiers: MedGen C0950123, MeSH D030342.

Submission:

Ambry Genetics
Classification: Uncertain significance for Inborn genetic diseases. Last evaluated: 2025-05-17. Review status: criteria provided, single submitter. Criteria: Ambry Variant Classification Scheme 2023. Collection method: clinical testing. Allele origin: germline.
Comment: The p.S6C variant (also known as c.16A>T), located in coding exon 1 of the ANKRD26 gene, results from an A to T substitution at nucleotide position 16. The serine at codon 6 is replaced by cysteine, an amino acid with dissimilar properties. This amino acid position is conserved. In addition, this alteration is predicted to be tolerated by in silico analysis. Based on the available evidence, the clinical significance of this variant remains unclear.